The following is an entry in ClinVar:

NM_001374385.1(ATP8B1):c.2065A>G (p.Lys689Glu)

Gene: ATP8B1 (ATPase phospholipid transporting 8B1; minus strand). Cytogenetic location: 18q21.31.
Variant type: single nucleotide variant.
Coding change: c.2065A>G on transcript NM_001374385.1 (MANE Select); coding-DNA position 2065, A replaced by G.
Protein change: p.Lys689Glu; replaces lysine 689 with glutamic acid.
Molecular consequence: missense variant.
Genome position (GRCh38, 1-based): chr18:57,669,350, T>C on the plus strand (A>G on the coding strand, the complement: ATP8B1 is on the minus strand). VCF-style: chr18-57669350-T-C. GRCh37 (hg19) VCF-style: chr18-55336582-T-C.
Other names: c.1915A>G, p.Lys639Glu (NM_001374386.1); c.2065A>G, p.Lys689Glu (NM_005603.6); short protein forms K639E, K689E.
Identifiers: ClinVar variation 2636359 (VCV002636359.1), dbSNP rs753904480, ClinGen allele CA8974404.

ClinVar aggregate classification (germline): Uncertain significance (1 of 4 stars; one submission).

Conditions:
ATP8B1-related disorder. Also called: ATP8B1-related disorders; ATP8B1-related condition.

Allele frequency attached by ClinVar (database versions not stated): ExAC 0.00001.

Submission:

PreventionGenetics, part of Exact Sciences
Classification: Uncertain significance for ATP8B1-related condition. Last evaluated: 2022-09-07. Review status: criteria provided, single submitter. Criteria: ACMG Guidelines, 2015. Collection method: clinical testing. Allele origin: germline.
Comment: The ATP8B1 c.2065A>G variant is predicted to result in the amino acid substitution p.Lys689Glu. To our knowledge, this variant has not been reported in the literature. This variant is reported in 0.00088% of alleles in individuals of European (Non-Finnish) descent in gnomAD. At this time, the clinical significance of this variant is uncertain due to the absence of conclusive functional and genetic evidence.